The following is an entry in ClinVar:

ClinVar aggregate classification (germline): Uncertain significance (1 of 4 stars; one submission).

Conditions:
Malignant hyperthermia, susceptibility to, 1 (MHS1). Also called: Anesthesia related hyperthermia; Malignant hyperpyrexia; Fulminating hyperpyrexia; Pharmacogenic myopathy; RYR1-Related Malignant Hyperthermia Susceptibility; Malignant hyperthermia suceptibility 1. Identifiers: Orphanet 423, MedGen C2930980, MONDO:0007783, OMIM 145600.

Allele frequency attached by ClinVar (database versions not stated): gnomAD exomes below 0.00001.
gnomAD v4.1: 2 of 1,613,890 alleles (0.00012%); highest among the groups gnomAD compares: African/African-American, 0.0013%; no homozygotes.

Submission:

All of Us Research Program, National Institutes of Health
Classification: Uncertain significance for Malignant hyperthermia, susceptibility to, 1. Last evaluated: 2023-10-02. Review status: criteria provided, single submitter. Criteria: ACMG Guidelines, 2015. Collection method: clinical testing. Allele origin: germline. Inheritance: Autosomal dominant inheritance. Observed: 2 variant alleles, 2 heterozygotes.
Comment: This missense variant replaces histidine with glutamine at codon 254 of the RYR1 protein. Computational prediction is inconclusive regarding the impact of this variant on protein structure and function (internally defined REVEL score threshold 0.5 < inconclusive < 0.7, PMID: 27666373). To our knowledge, functional studies have not been reported for this variant. This variant has not been reported in individuals affected with RYR1-related disorders in the literature. This variant has been identified in 2/251040 chromosomes in the general population by the Genome Aggregation Database (gnomAD). The available evidence is insufficient to determine the role of this variant in disease conclusively. Therefore, this variant is classified as a Variant of Uncertain Significance.

This study involves interpretation of variants in research participants for the purpose of population health screening. Participant phenotype was not available at the time of variant classification. Additional details can be found in publication PMID: 35346344, PMCID: PMC8962531

NM_000540.3(RYR1):c.762T>A (p.His254Gln)

Gene: RYR1 (ryanodine receptor 1; plus strand). Cytogenetic location: 19q13.2.
Variant type: single nucleotide variant.
Coding change: c.762T>A on transcript NM_000540.3 (MANE Select); coding-DNA position 762, T replaced by A.
Protein change: p.His254Gln; replaces histidine 254 with glutamine.
Molecular consequence: missense variant.
Genome position (GRCh38, 1-based): chr19:38,446,730, T>A. VCF-style: chr19-38446730-T-A. GRCh37 (hg19) VCF-style: chr19-38937370-T-A.
Other names: c.762T>A, p.His254Gln (NM_001042723.2); short protein forms H254Q.
Identifiers: ClinVar variation 3073224 (VCV003073224.1), dbSNP rs1479598053, ClinGen allele CA405680310.
Genomic context (GRCh38, chr19:38,446,730, plus strand): 5'-CTTCACTCTCTTCTGTGTCCCCAGACTTGTCTACTATGAGGGGGGAGCTGTGTGCACTCA[T>A]GCCCGCTCCCTCTGGAGGCTGGAGCCACTGAGAATCAGGTAGGGCGGGGAAGATGGGGAG-3'
Protein context (NP_000531.2, residues 244-264): VYYEGGAVCT[His254Gln]ARSLWRLEPL